The following is an entry in ClinVar:

ClinVar aggregate classification (germline): Uncertain significance. Review status: criteria provided, multiple submitters, no conflicts (2 of 4 stars). 2 submissions from 2 submitters: Uncertain significance (2). Last evaluated 2024-02-01.

Conditions:
Tuberous sclerosis 1 (TSC1). Identifiers: Orphanet 805, MedGen C1854465, MONDO:0008612, OMIM 191100.
Hereditary cancer-predisposing syndrome. Also called: Neoplastic Syndromes, Hereditary; Hereditary neoplastic syndrome; Tumor predisposition; Hereditary Cancer Syndrome. Identifiers: Orphanet 140162, MedGen C0027672, MeSH D009386, MONDO:0015356.

Allele frequency attached by ClinVar (database versions not stated): gnomAD exomes 0.00001.
gnomAD v4.1: 7 of 1,614,220 alleles (0.00043%); highest among the groups gnomAD compares: Non-Finnish European, 0.00059%; no homozygotes.

Submissions (2):

Labcorp Genetics (formerly Invitae), Labcorp
Classification: Uncertain significance for Tuberous sclerosis 1. Last evaluated: 2024-02-01. Review status: criteria provided, single submitter. Criteria: Invitae Variant Classification Sherloc (09022015). Collection method: clinical testing. Allele origin: germline.
Comment: This sequence change replaces valine, which is neutral and non-polar, with isoleucine, which is neutral and non-polar, at codon 1148 of the TSC1 protein (p.Val1148Ile). This variant is not present in population databases (gnomAD no frequency). This variant has not been reported in the literature in individuals affected with TSC1-related conditions. ClinVar contains an entry for this variant (Variation ID: 534435). Advanced modeling of protein sequence and biophysical properties (such as structural, functional, and spatial information, amino acid conservation, physicochemical variation, residue mobility, and thermodynamic stability) performed at Invitae indicates that this missense variant is not expected to disrupt TSC1 protein function with a negative predictive value of 95%. In summary, the available evidence is currently insufficient to determine the role of this variant in disease. Therefore, it has been classified as a Variant of Uncertain Significance.

Ambry Genetics
Classification: Uncertain significance for Hereditary cancer-predisposing syndrome. Last evaluated: 2023-09-29. Review status: criteria provided, single submitter. Criteria: Ambry Variant Classification Scheme 2023. Collection method: clinical testing. Allele origin: germline.
Comment: The p.V1148I variant (also known as c.3442G>A), located in coding exon 21 of the TSC1 gene, results from a G to A substitution at nucleotide position 3442. The valine at codon 1148 is replaced by isoleucine, an amino acid with highly similar properties. This amino acid position is conserved. In addition, this alteration is predicted to be tolerated by in silico analysis. Since supporting evidence is limited at this time, the clinical significance of this alteration remains unclear.

NM_000368.5(TSC1):c.3442G>A (p.Val1148Ile)

Gene: TSC1 (TSC complex subunit 1; minus strand). Cytogenetic location: 9q34.13.
Variant type: single nucleotide variant.
Coding change: c.3442G>A on transcript NM_000368.5 (MANE Select); coding-DNA position 3442, G replaced by A.
Protein change: p.Val1148Ile; replaces valine 1148 with isoleucine.
Molecular consequence: missense variant.
Genome position (GRCh38, 1-based): chr9:132,896,288, C>T on the plus strand (G>A on the coding strand, the complement: TSC1 is on the minus strand). VCF-style: chr9-132896288-C-T. GRCh37 (hg19) VCF-style: chr9-135771675-C-T.
Other names: c.3439G>A, p.Val1147Ile (NM_001162426.2); c.3289G>A, p.Val1097Ile (NM_001162427.2); c.3079G>A, p.Val1027Ile (NM_001362177.2); short protein forms V1148I, V1027I, V1097I, V1147I.
Identifiers: ClinVar variation 534435 (VCV000534435.11), dbSNP rs1554812551, ClinGen allele CA375366369.